The following is an entry in ClinVar:

NM_007194.4(CHEK2):c.1595C>T (p.Thr532Ile)

Gene: CHEK2 (checkpoint kinase 2; minus strand). Cytogenetic location: 22q12.1.
Variant type: single nucleotide variant.
Coding change: c.1595C>T on transcript NM_007194.4 (MANE Select); coding-DNA position 1595, C replaced by T.
Protein change: p.Thr532Ile; replaces threonine 532 with isoleucine.
Molecular consequence: missense variant.
Genome position (GRCh38, 1-based): chr22:28,687,934, G>A on the plus strand (C>T on the coding strand, the complement: CHEK2 is on the minus strand). VCF-style: chr22-28687934-G-A. GRCh37 (hg19) VCF-style: chr22-29083922-G-A.
Other names: c.1724C>T, p.Thr575Ile (NM_001005735.3); c.932C>T, p.Thr311Ile (NM_001257387.3); c.1394C>T, p.Thr465Ile (NM_001349956.3); c.1508C>T, p.Thr503Ile (NM_145862.3); short protein forms T311I, T532I, T503I, T575I, T465I.
Identifiers: ClinVar variation 3727568 (VCV003727568.2).

ClinVar aggregate classification (germline): Uncertain significance (1 of 4 stars; one submission).

Conditions:
Familial cancer of breast. Also called: Hereditary breast cancer; BREAST CANCER, FAMILIAL; hereditary breast carcinoma. Identifiers: Orphanet 227535, MedGen C0346153, MONDO:0016419, OMIM 114480. Disease mechanism: loss of function.

Submission:

Labcorp Genetics (formerly Invitae), Labcorp
Classification: Uncertain significance for Familial cancer of breast. Last evaluated: 2024-12-18. Review status: criteria provided, single submitter. Criteria: Invitae Variant Classification Sherloc (09022015). Collection method: clinical testing. Allele origin: germline.
Comment: This sequence change replaces threonine, which is neutral and polar, with isoleucine, which is neutral and non-polar, at codon 532 of the CHEK2 protein (p.Thr532Ile). This variant is not present in population databases (gnomAD no frequency). This variant has not been reported in the literature in individuals affected with CHEK2-related conditions. An algorithm developed to predict the effect of missense changes on protein structure and function (PolyPhen-2) suggests that this variant is likely to be tolerated. In summary, the available evidence is currently insufficient to determine the role of this variant in disease. Therefore, it has been classified as a Variant of Uncertain Significance.